The following is an entry in ClinVar:

ClinVar aggregate classification (germline): Conflicting classifications of pathogenicity. Review status: criteria provided, conflicting classifications (1 of 4 stars). 5 submissions from 5 submitters: Uncertain significance (2); Likely benign (2). 1 of the submissions does not count toward it. Last evaluated 2024-09-03.

Conditions:
Alpha thalassemia-X-linked intellectual disability syndrome (ATRX). Also called: ALPHA-THALASSEMIA/IMPAIRED INTELLECTUAL DEVELOPMENT SYNDROME, X-LINKED; ALPHA-THALASSEMIA/MENTAL RETARDATION SYNDROME, X-LINKED; ATR, NONDELETION TYPE; X-linked alpha-thalassemia-mental retardation syndrome; ATR-X syndrome; Alpha thalassemia mental retardation syndrome, nondeletion type, X-linked. Identifiers: Orphanet 847, MedGen C1845055, MONDO:0010519, OMIM 301040.
Inborn genetic diseases. Identifiers: MedGen C0950123, MeSH D030342.

Allele frequency attached by ClinVar (database versions not stated): TOPMed 0.00001; gnomAD exomes 0.00002 and 0.00003; gnomAD 0.00002; ExAC 0.00003.
gnomAD v4.1: 28 of 1,205,469 alleles (0.0023%); highest among the groups gnomAD compares: Non-Finnish European, 0.003%; no homozygotes.

Submissions (5):

Ambry Genetics
Classification: Likely benign for Inborn genetic diseases. Last evaluated: 2024-09-03. Review status: criteria provided, single submitter. Criteria: Ambry Variant Classification Scheme 2023. Collection method: clinical testing. Allele origin: germline.

Labcorp Genetics (formerly Invitae), Labcorp
Classification: Likely benign for Alpha thalassemia-X-linked intellectual disability syndrome. Last evaluated: 2023-08-10. Review status: criteria provided, single submitter. Criteria: Invitae Variant Classification Sherloc (09022015). Collection method: clinical testing. Allele origin: germline.

GeneDx
Classification: Uncertain significance. Last evaluated: 2023-02-07. Review status: criteria provided, single submitter. Criteria: GeneDx Variant Classification Process June 2021. Collection method: clinical testing. Allele origin: germline. Affected: yes.
Comment: In silico analysis supports that this missense variant has a deleterious effect on splicing; Has not been previously published as pathogenic or benign to our knowledge

Blueprint Genetics
Classification: Uncertain significance. Last evaluated: 2017-07-05. Review status: criteria provided, single submitter. Criteria: ACMG Guidelines, 2015. Collection method: clinical testing. Allele origin: germline.

Natera, Inc.
Classification: Uncertain significance for X-linked alpha-thalassemia-mental retardation syndrome. Last evaluated: 2020-09-16. Review status: no assertion criteria provided. Collection method: clinical testing. Allele origin: germline. Not counted in ClinVar's aggregate classification.

NM_000489.6(ATRX):c.1130C>T (p.Ala377Val)

Gene: ATRX (ATRX chromatin remodeler; minus strand). Cytogenetic location: Xq21.1.
Variant type: single nucleotide variant.
Coding change: c.1130C>T on transcript NM_000489.6 (MANE Select); coding-DNA position 1130, C replaced by T.
Protein change: p.Ala377Val; replaces alanine 377 with valine.
Molecular consequence: missense variant.
Genome position (GRCh38, 1-based): chrX:77,684,126, G>A on the plus strand (C>T on the coding strand, the complement: ATRX is on the minus strand). VCF-style: chrX-77684126-G-A. GRCh37 (hg19) VCF-style: chrX-76939618-G-A.
Other names: c.1130C>T (NM_000489.3); c.1016C>T, p.Ala339Val (NM_138270.5); short protein forms A377V, A339V.
Identifiers: ClinVar variation 654921 (VCV000654921.14), dbSNP rs781955237, ClinGen allele CA10458231.